The following is an entry in ClinVar:

NM_001042492.3(NF1):c.3572C>A (p.Thr1191Lys)

Gene: NF1 (neurofibromin 1; plus strand). Cytogenetic location: 17q11.2.
Variant type: single nucleotide variant.
Coding change: c.3572C>A on transcript NM_001042492.3 (MANE Select); coding-DNA position 3572, C replaced by A.
Protein change: p.Thr1191Lys; replaces threonine 1191 with lysine.
Molecular consequence: missense variant.
Genome position (GRCh38, 1-based): chr17:31,233,077, C>A. VCF-style: chr17-31233077-C-A. GRCh37 (hg19) VCF-style: chr17-29560095-C-A.
Other names: c.3572C>A, p.Thr1191Lys (NM_000267.4); short protein forms T1191K.
Identifiers: ClinVar variation 3572031 (VCV003572031.2).

ClinVar aggregate classification (germline): Conflicting classifications of pathogenicity. Review status: criteria provided, conflicting classifications (1 of 4 stars). 2 submissions from 2 submitters: Likely pathogenic (1); Uncertain significance (1). Last evaluated 2025-11-20.

Conditions:
Neurofibromatosis, type 1 (NF1). Also called: VON RECKLINGHAUSEN DISEASE; Peripheral type neurofibromatosis; NEUROFIBROMATOSIS, TYPE I, SOMATIC; Neurofibromatosis, type I. Identifiers: Orphanet 636, MedGen C0027831, MONDO:0018975, OMIM 162200. Disease mechanism: loss of function.

Submissions (2):

3billion
Classification: Likely pathogenic for Neurofibromatosis, type 1. Last evaluated: 2025-11-20. Review status: criteria provided, single submitter. Criteria: ACMG Guidelines, 2015. Collection method: clinical testing. Allele origin: germline. Affected: yes.
Comment: The variant is not observed in the gnomAD v4.1.0 dataset. Predicted Consequence/Location: Missense variant In silico tool predictions suggest damaging effect of the variant on gene or gene product [REVEL: 0.82 (>=0.6, sensitivity 0.68 and specificity 0.92); 3Cnet: 0.99 (> 0.75, sensitivity 0.96 and precision 0.92)]. The same nucleotide change resulting in the same amino acid change has been previously reported to be associated with NF1-related disorder (PMID: 25541118). However, the evidence of pathogenicity is insufficient at this time. Different missense changes at the same codon (p.Thr1191Arg, p.Thr1191Ile, p.Thr1191Ser) have been reported as pathogenic/likely pathogenic with strong evidence (ClinVar ID: VCV001067806, VCV001484489, VCV002047617 /PMID: 23047742, 35240321). Therefore, this variant is classified as Likely pathogenic according to the recommendation of ACMG/AMP guideline.

Quest Diagnostics Nichols Institute San Juan Capistrano
Classification: Uncertain significance. Last evaluated: 2024-11-04. Review status: criteria provided, single submitter. Criteria: Quest Diagnostics criteria. Collection method: clinical testing. Allele origin: unknown.
Comment: The NF1 c.3572C>A (p.Thr1191Lys) variant has been reported in the published literature in an individual with neurofibromatosis 1 (NF1) (PMID: 25541118 (2015)). This variant has not been reported in large, multi-ethnic general populations (Genome Aggregation Database). Analysis of this variant using bioinformatics tools for the prediction of the effect of amino acid changes on protein structure and function yielded predictions that this variant is damaging. Based on the available information, we are unable to determine the clinical significance of this variant.

Literature cited by the submitters: PubMed 23047742 (cited by 3billion); PubMed 25541118 (cited by 3billion and Quest Diagnostics Nichols Institute San Juan Capistrano).